The following is an entry in ClinVar:

ClinVar aggregate classification (germline): Uncertain significance (1 of 4 stars; one submission).

gnomAD v4.1: 1 of 1,614,246 alleles (0.000062%); highest among the groups gnomAD compares: Non-Finnish European, 0.000085%; no homozygotes.

Submission:

Ambry Genetics
Classification: Uncertain significance. Last evaluated: 2025-06-06. Review status: criteria provided, single submitter. Criteria: Ambry Variant Classification Scheme 2023. Collection method: clinical testing. Allele origin: germline.
Comment: The p.V1107A variant (also known as c.3320T>C), located in coding exon 2 of the MLH3 gene, results from a T to C substitution at nucleotide position 3320. The valine at codon 1107 is replaced by alanine, an amino acid with similar properties. This amino acid position is conserved. In addition, the in silico prediction for this alteration is inconclusive. Since supporting evidence is limited at this time, the clinical significance of this alteration remains unclear.

NM_001040108.2(MLH3):c.3320T>C (p.Val1107Ala)

Gene: MLH3 (mutL homolog 3; minus strand). Cytogenetic location: 14q24.3.
Variant type: single nucleotide variant.
Coding change: c.3320T>C on transcript NM_001040108.2 (MANE Select); coding-DNA position 3320, T replaced by C.
Protein change: p.Val1107Ala; replaces valine 1107 with alanine.
Molecular consequence: missense variant.
Genome position (GRCh38, 1-based): chr14:75,042,438, A>G on the plus strand (T>C on the coding strand, the complement: MLH3 is on the minus strand). VCF-style: chr14-75042438-A-G. GRCh37 (hg19) VCF-style: chr14-75509141-A-G.
Other names: c.3320T>C, p.Val1107Ala (NM_014381.3); short protein forms V1107A.
Identifiers: ClinVar variation 2497081 (VCV002497081.3), dbSNP rs1466170262, ClinGen allele CA390431913.